The following is an entry in ClinVar:

ClinVar aggregate classification (germline): Likely benign (1 of 4 stars; one submission).

gnomAD v4.1: 4 of 1,614,074 alleles (0.00025%); highest among the groups gnomAD compares: Non-Finnish European, 0.00034%; no homozygotes.

Submission:

CeGaT Center for Human Genetics Tuebingen
Classification: Likely benign. Last evaluated: 2024-09-01. Review status: criteria provided, single submitter. Criteria: CeGaT Center For Human Genetics Tuebingen Variant Classification Criteria Version 2. Collection method: clinical testing. Allele origin: germline. Affected: yes. Observed: 1 variant allele.
Comment: SLC39A14: BP4, BP7

NM_001128431.4(SLC39A14):c.978A>G (p.Lys326=)

Gene: SLC39A14 (solute carrier family 39 member 14; plus strand). Cytogenetic location: 8p21.3.
Variant type: single nucleotide variant.
Coding change: c.978A>G on transcript NM_001128431.4 (MANE Select); coding-DNA position 978, A replaced by G.
Protein change: p.Lys326=; no amino-acid change (lysine 326 retained).
Molecular consequence: synonymous variant.
Genome position (GRCh38, 1-based): chr8:22,416,111, A>G. VCF-style: chr8-22416111-A-G. GRCh37 (hg19) VCF-style: chr8-22273624-A-G.
Other names: c.978A>G, p.Lys326= (NM_001135153.3, NM_001135154.3, NM_001351655.2 and 3 more transcripts); c.1008A>G, p.Lys336= (NM_001351657.2, NM_001351658.2, NM_001351659.2).
Identifiers: ClinVar variation 3388546 (VCV003388546.14).